The following is an entry in ClinVar:

NM_002382.5(MAX):c.422G>A (p.Ser141Asn)

Gene: MAX (MYC associated transcriptional regulator X; minus strand). Cytogenetic location: 14q23.3.
Variant type: single nucleotide variant.
Coding change: c.422G>A on transcript NM_002382.5 (MANE Select); coding-DNA position 422, G replaced by A.
Protein change: p.Ser141Asn; replaces serine 141 with asparagine.
Molecular consequence: missense variant. On other transcripts: 3 prime UTR variant (12), non-coding transcript variant (7), intron variant (2).
Genome position (GRCh38, 1-based): chr14:65,076,537, C>T on the plus strand (G>A on the coding strand, the complement: MAX is on the minus strand). VCF-style: chr14-65076537-C-T. GRCh37 (hg19) VCF-style: chr14-65543255-C-T.
Other names: c.233G>A, p.Ser78Asn (NM_001320415.2, NM_001407105.1, NM_001407106.1 and 1 more transcripts); c.422G>A, p.Ser141Asn (NM_001407094.1); c.395G>A, p.Ser132Asn (NM_001407095.1, NM_145112.3); c.*195G>A (NM_001407096.1, NM_001407099.1, NM_001407102.1 and 2 more transcripts); c.*211G>A (NM_001407097.1, NM_001407100.1, NM_001407101.1 and 4 more transcripts); c.314G>A, p.Ser105Asn (NM_001407098.1); c.221G>A, p.Ser74Asn (NM_001407111.1, NM_001407112.1); c.144+17171G>A (NM_001271069.2); and 1 more; short protein forms S105N, S132N, S141N, S74N, S78N.
Identifiers: ClinVar variation 4807742 (VCV004807742.1).

ClinVar aggregate classification (germline): Uncertain significance (1 of 4 stars; one submission).

Conditions:
Hereditary pheochromocytoma and paraganglioma. Also called: Hereditary Paraganglioma-Pheochromocytoma Syndromes; Hereditary paragangliomas and pheochromocytomas; Hereditary pheochromocytoma-paraganglioma. Identifiers: Orphanet 29072, MedGen C4274332, MONDO:0017366.

Submission:

Labcorp Genetics (formerly Invitae), Labcorp
Classification: Uncertain significance for Hereditary pheochromocytoma and paraganglioma. Last evaluated: 2025-02-01. Review status: criteria provided, single submitter. Criteria: Invitae Variant Classification Sherloc (09022015). Collection method: clinical testing. Allele origin: germline.
Comment: This sequence change replaces serine, which is neutral and polar, with asparagine, which is neutral and polar, at codon 141 of the MAX protein (p.Ser141Asn). This variant is not present in population databases (gnomAD no frequency). This variant has not been reported in the literature in individuals affected with MAX-related conditions. An algorithm developed to predict the effect of missense changes on protein structure and function (PolyPhen-2) suggests that this variant is likely to be tolerated. In summary, the available evidence is currently insufficient to determine the role of this variant in disease. Therefore, it has been classified as a Variant of Uncertain Significance.